The following is an entry in ClinVar:

NM_000049.4(ASPA):c.899A>G (p.Lys300Arg)

Genes: ASPA (aspartoacylase; plus strand), SPATA22 (spermatogenesis associated 22; minus strand). Cytogenetic location: 17p13.2.
Variant type: single nucleotide variant.
Coding change: c.899A>G on transcript NM_000049.4 (MANE Select); coding-DNA position 899, A replaced by G.
Protein change: p.Lys300Arg; replaces lysine 300 with arginine.
Molecular consequence: missense variant. On other transcripts: intron variant (2).
Genome position (GRCh38, 1-based): chr17:3,499,045, A>G. VCF-style: chr17-3499045-A-G. GRCh37 (hg19) VCF-style: chr17-3402339-A-G.
Other names: c.899A>G, p.Lys300Arg (NM_001128085.1); c.-74+14367T>C (NM_001321336.2, NM_001321337.2); short protein forms K300R.
Identifiers: ClinVar variation 2150556 (VCV002150556.1), dbSNP rs890496947, ClinGen allele CA287021086.

ClinVar aggregate classification (germline): Uncertain significance (1 of 4 stars; one submission).

Conditions:
Spongy degeneration of central nervous system. Also called: ACY2 DEFICIENCY; AMINOACYLASE 2 DEFICIENCY; ASP DEFICIENCY; ASPA DEFICIENCY; ASPARTOACYLASE DEFICIENCY; CANAVAN-VAN BOGAERT-BERTRAND DISEASE. Identifiers: Orphanet 141, MedGen C0206307, MONDO:0010079, OMIM 271900.

Allele frequency attached by ClinVar (database versions not stated): gnomAD exomes below 0.00001; TOPMed 0.00002; gnomAD 0.00001.
gnomAD v4.1: 2 of 1,614,038 alleles (0.00012%); highest among the groups gnomAD compares: Non-Finnish European, 0.00017%; no homozygotes.

Submission:

Labcorp Genetics (formerly Invitae), Labcorp
Classification: Uncertain significance for Spongy degeneration of central nervous system. Last evaluated: 2022-09-12. Review status: criteria provided, single submitter. Criteria: Invitae Variant Classification Sherloc (09022015). Collection method: clinical testing. Allele origin: germline.
Comment: This sequence change replaces lysine, which is basic and polar, with arginine, which is basic and polar, at codon 300 of the ASPA protein (p.Lys300Arg). This variant is present in population databases (no rsID available, gnomAD 0.0009%). This variant has not been reported in the literature in individuals affected with ASPA-related conditions. Algorithms developed to predict the effect of missense changes on protein structure and function (SIFT, PolyPhen-2, Align-GVGD) all suggest that this variant is likely to be tolerated. In summary, the available evidence is currently insufficient to determine the role of this variant in disease. Therefore, it has been classified as a Variant of Uncertain Significance.